The following is an entry in ClinVar:

NM_004260.4(RECQL4):c.2074C>G (p.Leu692Val)

Gene: RECQL4 (RecQ like helicase 4; minus strand). Cytogenetic location: 8q24.3.
Variant type: single nucleotide variant.
Coding change: c.2074C>G on transcript NM_004260.4 (MANE Select); coding-DNA position 2074, C replaced by G.
Protein change: p.Leu692Val; replaces leucine 692 with valine.
Molecular consequence: missense variant. On other transcripts: non-coding transcript variant (2).
Genome position (GRCh38, 1-based): chr8:144,513,697, G>C on the plus strand (C>G on the coding strand, the complement: RECQL4 is on the minus strand). VCF-style: chr8-144513697-G-C. GRCh37 (hg19) VCF-style: chr8-145739081-G-C.
Other names: c.1978C>G, p.Leu660Val (NM_001413017.1, NM_001413020.1); c.2074C>G, p.Leu692Val (NM_001413018.1, NM_001413019.1, NM_001413036.1); c.1003C>G, p.Leu335Val (NM_001413021.1, NM_001413022.1, NM_001413023.1 and 6 more transcripts); c.1945C>G, p.Leu649Val (NM_001413025.1); c.937C>G, p.Leu313Val (NM_001413027.1, NM_001413030.1, NM_001413032.1 and 1 more transcripts); c.1723C>G, p.Leu575Val (NM_001413029.1); c.805C>G, p.Leu269Val (NM_001413031.1); c.1942C>G, p.Leu648Val (NM_001413033.1); and 4 more; short protein forms L203V, L291V, L335V, L313V, L325V, L575V, L682V, L648V.
Identifiers: ClinVar variation 3944358 (VCV003944358.1).

ClinVar aggregate classification (germline): Uncertain significance (1 of 4 stars; one submission).

Conditions:
Inborn genetic diseases. Identifiers: MedGen C0950123, MeSH D030342.

Submission:

Ambry Genetics
Classification: Uncertain significance for Inborn genetic diseases. Last evaluated: 2025-06-09. Review status: criteria provided, single submitter. Criteria: Ambry Variant Classification Scheme 2023. Collection method: clinical testing. Allele origin: germline.
Comment: The p.L692V variant (also known as c.2074C>G), located in coding exon 13 of the RECQL4 gene, results from a C to G substitution at nucleotide position 2074. The leucine at codon 692 is replaced by valine, an amino acid with highly similar properties. This amino acid position is conserved. In addition, the in silico prediction for this alteration is inconclusive. Based on the available evidence, the clinical significance of this variant remains unclear.